The following is an entry in ClinVar:

ClinVar aggregate classification (germline): Uncertain significance. Review status: criteria provided, multiple submitters, no conflicts (2 of 4 stars). 5 submissions from 5 submitters: Uncertain significance (4). 1 of the submissions does not count toward it. Last evaluated 2024-12-10.

Conditions:
Junctional epidermolysis bullosa, non-Herlitz type. Also called: EPIDERMOLYSIS BULLOSA JUNCTIONALIS, DISENTIS TYPE; EPIDERMOLYSIS BULLOSA JUNCTIONALIS, NON-HERLITZ TYPE; EPIDERMOLYSIS BULLOSA JUNCTIONALIS, PROGRESSIVE; EPIDERMOLYSIS BULLOSA JUNCTIONALIS, SEVERE NONLETHAL; Epidermolysis bullosa, junctional, non-herlitz type, somatic mosaic revertant; COL17A1-Related Junctional Epidermolysis Bullosa. Identifiers: Orphanet 251393, Orphanet 79402, Orphanet 79405, Orphanet 89840, MedGen C0268374, MONDO:0009180, OMIM 226650.
COL17A1-related disorder. Also called: COL17A1-related condition.
Epithelial recurrent erosion dystrophy (ERED). Also called: CORNEAL EROSIONS, RECURRING HEREDITARY. Identifiers: Orphanet 293381, MedGen C1852551, MONDO:0007381, OMIM 122400.
Late-onset junctional epidermolysis bullosa. Identifiers: Orphanet 79406, MedGen C4304724, MONDO:0019309.

Allele frequency attached by ClinVar (database versions not stated): gnomAD 0.00035 and 0.00036; TOPMed 0.00040; gnomAD exomes 0.00054; ESP Exome Variant Server 0.00077; ExAC 0.00084.
gnomAD v4.1: 689 of 1,610,074 alleles (0.043%); highest among the groups gnomAD compares: Non-Finnish European, 0.05%; 1 homozygote.

Submissions (5):

Labcorp Genetics (formerly Invitae), Labcorp
Classification: Uncertain significance. Last evaluated: 2024-12-10. Review status: criteria provided, single submitter. Criteria: Invitae Variant Classification Sherloc (09022015). Collection method: clinical testing. Allele origin: germline.
Comment: This sequence change replaces arginine, which is basic and polar, with tryptophan, which is neutral and slightly polar, at codon 1247 of the COL17A1 protein (p.Arg1247Trp). This variant is present in population databases (rs144220426, gnomAD 0.2%), and has an allele count higher than expected for a pathogenic variant. This variant has not been reported in the literature in individuals affected with COL17A1-related conditions. ClinVar contains an entry for this variant (Variation ID: 877147). Invitae Evidence Modeling of protein sequence and biophysical properties (such as structural, functional, and spatial information, amino acid conservation, physicochemical variation, residue mobility, and thermodynamic stability) has been performed for this missense variant. However, the output from this modeling did not meet the statistical confidence thresholds required to predict the impact of this variant on COL17A1 protein function. In summary, the available evidence is currently insufficient to determine the role of this variant in disease. Therefore, it has been classified as a Variant of Uncertain Significance.

GeneDx
Classification: Uncertain significance. Last evaluated: 2023-05-01. Review status: criteria provided, single submitter. Criteria: GeneDx Variant Classification Process June 2021. Collection method: clinical testing. Allele origin: germline. Affected: yes.
Comment: In silico analysis supports that this missense variant has a deleterious effect on protein structure/function; Has not been previously published as pathogenic or benign to our knowledge

Illumina Laboratory Services, Illumina
Classification: Uncertain significance for Junctional epidermolysis bullosa, non-Herlitz type. Last evaluated: 2018-01-12. Review status: criteria provided, single submitter. Criteria: ICSL Variant Classification Criteria 13 December 2019. Collection method: clinical testing. Allele origin: germline.

Breakthrough Genomics
Classification: Uncertain significance. Review status: criteria provided, single submitter. Criteria: ACMG Guidelines, 2015. Collection method: not provided. Allele origin: germline. Inheritance: Autosomal recessive inheritance. Affected: yes.

PreventionGenetics, part of Exact Sciences
Classification: Likely benign for COL17A1-related condition. Last evaluated: 2023-12-11. Review status: no assertion criteria provided. Collection method: clinical testing. Allele origin: germline. Not counted in ClinVar's aggregate classification.
Comment: This variant is classified as likely benign based on ACMG/AMP sequence variant interpretation guidelines (Richards et al. 2015 PMID: 25741868, with internal and published modifications).

NM_000494.4(COL17A1):c.3739C>T (p.Arg1247Trp)

Gene: COL17A1 (collagen type XVII alpha 1 chain; minus strand). Cytogenetic location: 10q25.1.
Variant type: single nucleotide variant.
Coding change: c.3739C>T on transcript NM_000494.4 (MANE Select); coding-DNA position 3739, C replaced by T.
Protein change: p.Arg1247Trp; replaces arginine 1247 with tryptophan.
Molecular consequence: missense variant.
Genome position (GRCh38, 1-based): chr10:104,034,648, G>A on the plus strand (C>T on the coding strand, the complement: COL17A1 is on the minus strand). VCF-style: chr10-104034648-G-A. GRCh37 (hg19) VCF-style: chr10-105794406-G-A.
Other names: short protein forms R1247W.
Identifiers: ClinVar variation 877147 (VCV000877147.13), dbSNP rs144220426, ClinGen allele CA5677847.